The following is an entry in ClinVar:

ClinVar aggregate classification (germline): Pathogenic (1 of 4 stars; one submission).

Conditions:
Peroxisome biogenesis disorder, complementation group 7 (CG7). Also called: Peroxisome biogenesis disorder, complementation group B. Identifiers: MedGen C1864399.

Submission:

Labcorp Genetics (formerly Invitae), Labcorp
Classification: Pathogenic for Peroxisome biogenesis disorder, complementation group 7. Last evaluated: 2021-06-10. Review status: criteria provided, single submitter. Criteria: Invitae Variant Classification Sherloc (09022015). Collection method: clinical testing. Allele origin: germline.
Comment: For these reasons, this variant has been classified as Pathogenic. Algorithms developed to predict the effect of sequence changes on RNA splicing suggest that this variant may create or strengthen a splice site, but this prediction has not been confirmed by published transcriptional studies. This variant has not been reported in the literature in individuals with PEX10-related conditions. This variant is not present in population databases (ExAC no frequency). This sequence change creates a premature translational stop signal (p.Gln263*) in the PEX10 gene. It is expected to result in an absent or disrupted protein product. Loss-of-function variants in PEX10 are known to be pathogenic (PMID: 9683594, 10862081, 21031596).

Literature cited by the submitters: PubMed 9683594; PubMed 10862081; PubMed 21031596.

NM_002617.4(PEX10):c.727C>T (p.Gln243Ter)

Gene: PEX10 (peroxisomal biogenesis factor 10; minus strand). Cytogenetic location: 1p36.32.
Variant type: single nucleotide variant.
Coding change: c.727C>T on transcript NM_002617.4 (MANE Select); coding-DNA position 727, C replaced by T.
Protein change: p.Gln243Ter; replaces glutamine 243 with a stop codon.
Molecular consequence: nonsense. On other transcripts: non-coding transcript variant (1).
Genome position (GRCh38, 1-based): chr1:2,406,769, G>A on the plus strand (C>T on the coding strand, the complement: PEX10 is on the minus strand). VCF-style: chr1-2406769-G-A. GRCh37 (hg19) VCF-style: chr1-2338208-G-A.
Other names: c.784C>T, p.Gln262Ter (NM_001374425.1); c.352C>T, p.Gln118Ter (NM_001374426.1); c.295C>T, p.Gln99Ter (NM_001374427.1); c.787C>T, p.Gln263Ter (NM_153818.2); short protein forms Q262*, Q263*, Q99*, Q118*, Q243*.
Identifiers: ClinVar variation 1455721 (VCV001455721.6), dbSNP rs2100422652, ClinGen allele CA337985253.